The following is an entry in ClinVar:

NM_001270974.2(HYDIN):c.2075+40G>C

Gene: HYDIN (HYDIN axonemal central pair apparatus protein; minus strand). Cytogenetic location: 16q22.2.
Variant type: single nucleotide variant.
Coding change: c.2075+40G>C on transcript NM_001270974.2 (MANE Select); 40 bases into the intron after coding-DNA position 2075, G replaced by C.
Molecular consequence: intron variant.
Genome position (GRCh38, 1-based): chr16:71,067,250, C>G on the plus strand (G>C on the coding strand, the complement: HYDIN is on the minus strand). VCF-style: chr16-71067250-C-G. GRCh37 (hg19) VCF-style: chr16-71101153-C-G.
Other names: c.2075+40G>C (NM_017558.5); c.2126+40G>C (NM_001198543.1); c.2156+40G>C (NM_001198542.1).
Identifiers: ClinVar variation 2582948 (VCV002582948.25), dbSNP rs201426082, ClinGen allele CA8151173.

ClinVar aggregate classification (germline): Likely benign (1 of 4 stars; one submission).

Submission:

CeGaT Center for Human Genetics Tuebingen
Classification: Likely benign. Last evaluated: 2026-08-01. Review status: criteria provided, single submitter. Criteria: CeGaT Center For Human Genetics Tuebingen Variant Classification Criteria Version 2. Collection method: clinical testing. Allele origin: germline. Affected: yes. Observed: 7 variant alleles.
Comment: HYDIN: BP4, BP7